The following is an entry in ClinVar:

NM_000503.6(EYA1):c.218G>A (p.Ser73Asn)

Gene: EYA1 (EYA transcriptional coactivator and phosphatase 1; minus strand). Cytogenetic location: 8q13.3.
Variant type: single nucleotide variant.
Coding change: c.218G>A on transcript NM_000503.6 (MANE Select); coding-DNA position 218, G replaced by A.
Protein change: p.Ser73Asn; replaces serine 73 with asparagine.
Molecular consequence: missense variant. On other transcripts: 5 prime UTR variant (1).
Genome position (GRCh38, 1-based): chr8:71,322,253, C>T on the plus strand (G>A on the coding strand, the complement: EYA1 is on the minus strand). VCF-style: chr8-71322253-C-T. GRCh37 (hg19) VCF-style: chr8-72234488-C-T.
Other names: c.218G>A (NM_000503.4); c.218G>A, p.Ser73Asn (NM_001288574.2, NM_001370334.1, NM_001370335.1 and 1 more transcripts); c.-67G>A (NM_001288575.2); c.305G>A, p.Ser102Asn (NM_001370333.1, NM_001370336.1, NM_172059.5); c.119G>A, p.Ser40Asn (NM_001411797.1, NM_172060.4); short protein forms S102N, S73N, S40N.
Identifiers: ClinVar variation 2073604 (VCV002073604.5), dbSNP rs1429110987, ClinGen allele CA371469024.
Genomic context (GRCh38, chr8:71,322,253, plus strand): 5'-TCTTACTTGGAAGGGTAAATCTGTGGTGGAGAGAACTGGTGAGTTGGTCGTGGGCTGAAA[C>T]TACTGCTCCCAATTGCTGGAAAACAAAAACAAAACAAAATAATGCACAATAATCCAAGCA-3'
Protein context (NP_000494.2, residues 63-83): NFSGSAIGSS[Ser73Asn]FSPRPTHQFS

ClinVar aggregate classification (germline): Uncertain significance. Review status: criteria provided, multiple submitters, no conflicts (2 of 4 stars). 2 submissions from 2 submitters: Uncertain significance (2). Last evaluated 2026-02-28.

Conditions:
Melnick-Fraser syndrome (BOR). Also called: Branchiootorenal syndrome; Branchio-oto-renal syndrome; Branchiootorenal Syndrome (BORS). Identifiers: Orphanet 107, MedGen C0265234, MONDO:0007029.

Allele frequency attached by ClinVar (database versions not stated): gnomAD 0.00003; gnomAD exomes 0.00001; TOPMed 0.00002.
gnomAD v4.1: 8 of 1,613,848 alleles (0.0005%); highest among the groups gnomAD compares: Admixed American, 0.01%; no homozygotes.

Submissions (2):

GeneDx
Classification: Uncertain significance. Last evaluated: 2026-02-28. Review status: criteria provided, single submitter. Criteria: GeneDx Variant Classification Process June 2021. Collection method: clinical testing. Allele origin: germline.
Comment: In silico analysis suggests that this missense variant does not alter protein structure/function; Has not been previously published as pathogenic or benign in association with an EYA1-related branchiootorenal spectrum disorder to our knowledge; This variant is associated with the following publications: (PMID: 34374102)

Labcorp Genetics (formerly Invitae), Labcorp
Classification: Uncertain significance for Melnick-Fraser syndrome. Last evaluated: 2022-07-08. Review status: criteria provided, single submitter. Criteria: Invitae Variant Classification Sherloc (09022015). Collection method: clinical testing. Allele origin: germline.
Comment: This variant has not been reported in the literature in individuals affected with EYA1-related conditions. This variant is present in population databases (no rsID available, gnomAD 0.009%). This sequence change replaces serine, which is neutral and polar, with asparagine, which is neutral and polar, at codon 73 of the EYA1 protein (p.Ser73Asn). Algorithms developed to predict the effect of missense changes on protein structure and function output the following: SIFT: "Tolerated"; PolyPhen-2: "Benign"; Align-GVGD: "Class C0". The asparagine amino acid residue is found in multiple mammalian species, which suggests that this missense change does not adversely affect protein function. In summary, the available evidence is currently insufficient to determine the role of this variant in disease. Therefore, it has been classified as a Variant of Uncertain Significance.